The following is an entry in ClinVar:

ClinVar aggregate classification (germline): Uncertain significance (1 of 4 stars; one submission).

Submission:

GeneDx
Classification: Uncertain significance. Last evaluated: 2023-04-10. Review status: criteria provided, single submitter. Criteria: GeneDx Variant Classification Process June 2021. Collection method: clinical testing. Allele origin: germline. Affected: yes.
Comment: Not observed at significant frequency in large population cohorts (gnomAD); In silico analysis supports that this missense variant does not alter protein structure/function; Has not been previously published as pathogenic or benign to our knowledge; This variant is associated with the following publications: (PMID: 26100331, 25512093, 25609763)

NM_001376.5(DYNC1H1):c.9679C>G (p.Gln3227Glu)

Gene: DYNC1H1 (dynein cytoplasmic 1 heavy chain 1; plus strand). Cytogenetic location: 14q32.31.
Variant type: single nucleotide variant.
Coding change: c.9679C>G on transcript NM_001376.5 (MANE Select); coding-DNA position 9679, C replaced by G.
Protein change: p.Gln3227Glu; replaces glutamine 3227 with glutamic acid.
Molecular consequence: missense variant.
Genome position (GRCh38, 1-based): chr14:102,029,855, C>G. VCF-style: chr14-102029855-C-G. GRCh37 (hg19) VCF-style: chr14-102496192-C-G.
Other names: short protein forms Q3227E.
Identifiers: ClinVar variation 2662785 (VCV002662785.1), dbSNP rs2503811829, ClinGen allele CA391016757.
Genomic context (GRCh38, chr14:102,029,855, plus strand): 5'-CTGAGTGTGGGCTTTGCTCTTTAGGTAGAAGAACTGCGTCGTGACTTGAGGATAAAGAGC[C>G]AAGAGCTGGAGGTGAAGAATGCAGCAGCCAATGACAAGCTGAAAAAGATGGTGAAAGACC-3'
Protein context (NP_001367.2, residues 3217-3237): ELRRDLRIKS[Gln3227Glu]ELEVKNAAAN